The following is an entry in ClinVar:

NM_004974.4(KCNA2):c.1147A>C (p.Thr383Pro)

Gene: KCNA2 (potassium voltage-gated channel subfamily A member 2; minus strand). Cytogenetic location: 1p13.3.
Variant type: single nucleotide variant.
Coding change: c.1147A>C on transcript NM_004974.4 (MANE Select); coding-DNA position 1147, A replaced by C.
Protein change: p.Thr383Pro; replaces threonine 383 with proline.
Molecular consequence: missense variant. On other transcripts: intron variant (1).
Genome position (GRCh38, 1-based): chr1:110,603,636, T>G on the plus strand (A>C on the coding strand, the complement: KCNA2 is on the minus strand). VCF-style: chr1-110603636-T-G. GRCh37 (hg19) VCF-style: chr1-111146258-T-G.
Other names: c.894+253A>C (NM_001204269.2); short protein forms T383P.
Identifiers: ClinVar variation 1369038 (VCV001369038.8), dbSNP rs2101396868, ClinGen allele CA341601631.

ClinVar aggregate classification (germline): Uncertain significance (1 of 4 stars; one submission).

Conditions:
Developmental and epileptic encephalopathy, 32 (DEE32). Also called: Epileptic encephalopathy, early infantile, 32. Identifiers: Orphanet 442835, MedGen C4225350, MONDO:0014607, OMIM 616366.

Submission:

Labcorp Genetics (formerly Invitae), Labcorp
Classification: Uncertain significance for Developmental and epileptic encephalopathy, 32. Last evaluated: 2022-03-04. Review status: criteria provided, single submitter. Criteria: Invitae Variant Classification Sherloc (09022015). Collection method: clinical testing. Allele origin: germline.
Comment: This variant has not been reported in the literature in individuals affected with KCNA2-related conditions. This variant is not present in population databases (gnomAD no frequency). This sequence change replaces threonine, which is neutral and polar, with proline, which is neutral and non-polar, at codon 383 of the KCNA2 protein (p.Thr383Pro). This missense change has been observed in at least one individual who was not affected with KCNA2-related conditions (Invitae). In summary, the available evidence is currently insufficient to determine the role of this variant in disease. Therefore, it has been classified as a Variant of Uncertain Significance. Algorithms developed to predict the effect of missense changes on protein structure and function are either unavailable or do not agree on the potential impact of this missense change (SIFT: "Deleterious"; PolyPhen-2: "Possibly Damaging"; Align-GVGD: "Class C0").